The following continues an entry in ClinVar:

NM_000059.4(BRCA2):c.8575del (p.Gln2859fs)

Gene: BRCA2. ClinVar aggregate classification (germline): Pathogenic. Pathogenic (1).

Submissions 14 to 30 of 30:

All of Us Research Program, National Institutes of Health
Classification: Pathogenic for Breast-ovarian cancer, familial, susceptibility to, 2. Last evaluated: 2024-01-08. Review status: criteria provided, single submitter. Criteria: ACMG Guidelines, 2015. Collection method: clinical testing. Allele origin: germline. Inheritance: Autosomal dominant inheritance. Observed: 3 variant alleles, 3 heterozygotes. Not counted in ClinVar's aggregate classification.
Comment: The c.8575del (p.Gln2859Lysfs*4) variant in the BRCA2 gene is located on the exon 20 and is predicted to cause shift of reading frame that introduces a premature translation termination codon (p.Gln2859Lysfs*4), resulting in an absent or disrupted protein product. The variant has been reported in multiple individuals with breast/ovarian/prostate cancer (PMID: 34680878, 36999648, 34399810, 25685387, 31060593, 32098980). Loss-of-function variants of BRCA2 are known to be pathogenic (PMID: 8988179, 11897832, 29446198). The variant is reported in ClinVar as pathogenic (ID: 38169) and reviewed by the expert panel. The variant is rare in the general population according to gnomAD (1/251220). Therefore, the c.8575del (p.Gln2859Lysfs*4) variant of BRCA2 has been classified as pathogenic.

This study involves interpretation of variants in research participants for the purpose of population health screening. Participant phenotype was not available at the time of variant classification. Additional details can be found in publication PMID: 35346344, PMCID: PMC8962531

GeneDx
Classification: Pathogenic. Last evaluated: 2023-09-27. Review status: criteria provided, single submitter. Criteria: GeneDx Variant Classification Process June 2021. Collection method: clinical testing. Allele origin: germline. Affected: yes. Not counted in ClinVar's aggregate classification.
Comment: Frameshift variant predicted to result in protein truncation or nonsense mediated decay in a gene for which loss-of-function is a known mechanism of disease; Truncating variants in this gene are considered pathogenic by a well-established clinical consortium and/or database; Not observed at significant frequency in large population cohorts (gnomAD); Also known as 8803delC; This variant is associated with the following publications: (PMID: 11504767, 30720243, 25685387, 20104584, 10359546, 16760289, 11304778, 18703817, 21324516, 26360800, 26833046, 27083775, 27433846, 31723001, 33087929, 30787465, 32570879, 34308366, 28888541, 34399810, 34887416, 33804961, 31060593, 29446198, 33471991)

Revvity Omics, Revvity
Classification: Pathogenic. Last evaluated: 2022-11-29. Review status: criteria provided, single submitter. Criteria: ACMG Guidelines, 2015. Collection method: clinical testing. Allele origin: germline. Not counted in ClinVar's aggregate classification.

Clinical Genetics Laboratory, Skane University Hospital Lund
Classification: Pathogenic. Last evaluated: 2022-05-27. Review status: criteria provided, single submitter. Criteria: ACMG Guidelines, 2015. Collection method: clinical testing. Allele origin: germline. Affected: yes. Not counted in ClinVar's aggregate classification.

Greenwood Genetic Center Diagnostic Laboratories, Greenwood Genetic Center
Classification: Pathogenic for Breast-ovarian cancer, familial, susceptibility to, 2. Last evaluated: 2022-02-14. Review status: criteria provided, single submitter. Criteria: ACMG Guidelines, 2015. Collection method: clinical testing. Allele origin: germline. Not counted in ClinVar's aggregate classification.
Comment: PVS1, PM2, PS4

Sema4
Classification: Pathogenic for Hereditary cancer-predisposing syndrome. Last evaluated: 2021-08-19. Review status: criteria provided, single submitter. Criteria: Sema4 Curation Guidelines. Collection method: curation. Allele origin: germline. Not counted in ClinVar's aggregate classification.
Comment: The BRCA2 c.8575delC (p.Q2859Kfs*4) variant has been reported in heterozygosity in numerous individuals with breast, ovarian, and prostate cancer (PMID: 16847550, 17148771, 20104584, 23704984, 29446198, 27433846, 26360800). It is also known as 8803delC in the literature. This variant causes a frameshift at amino acid 2859 that results in premature termination 4 amino acids downstream. This variant is expected to result in an absent or non-functional protein product (loss of function). Loss of function variants in BRCA2 are known to be pathogenic (PMID: 29446198). It was observed in 1/251220 chromosomes in the large and broad cohorts of the Genome Aggregation Database (PMID: 32461654). The variant has been reported in ClinVar (Variation ID 38169). Based on the current evidence available, this variant is interpreted as pathogenic.

Women's Health and Genetics/Laboratory Corporation of America, LabCorp
Classification: Pathogenic for Hereditary breast ovarian cancer syndrome. Last evaluated: 2021-06-27. Review status: criteria provided, single submitter. Criteria: LabCorp Variant Classification Summary - May 2015. Collection method: clinical testing. Allele origin: germline. Not counted in ClinVar's aggregate classification.
Comment: Variant summary: BRCA2 c.8575delC (p.Gln2859LysfsX4) results in a premature termination codon, predicted to cause a truncation of the encoded protein or absence of the protein due to nonsense mediated decay, which are commonly known mechanisms for disease. Truncations downstream of this position have been classified as pathogenic by our laboratory. The variant allele was found at a frequency of 4e-06 in 251220 control chromosomes. c.8575delC has been reported in the literature in multiple individuals affected with Hereditary Breast And Ovarian Cancer Syndrome (example, Rebbeck_2018). These data indicate that the variant is very likely to be associated with disease. Multiple clinical diagnostic laboratories, an expert panel (ENIGMA) and a consortium (CIMBA) have submitted clinical-significance assessments for this variant to ClinVar after 2014 without evidence for independent evaluation. All submitters classified the variant as pathogenic. Based on the evidence outlined above, the variant was classified as pathogenic.

Department of Pediatrics, Memorial Sloan Kettering Cancer Center
Classification: Pathogenic for Breast-ovarian cancer, familial, susceptibility to, 2. Last evaluated: 2020-12-15. Review status: criteria provided, single submitter. Criteria: ACMG Guidelines, 2015. Collection method: research. Allele origin: germline. Affected: no. Not counted in ClinVar's aggregate classification.

Genetics and Molecular Pathology, SA Pathology
Classification: Pathogenic for Familial cancer of breast. Last evaluated: 2020-07-22. Review status: criteria provided, single submitter. Criteria: ACMG Guidelines, 2015. Collection method: clinical testing. Allele origin: germline. Affected: yes. Not counted in ClinVar's aggregate classification.

Laboratory for Molecular Medicine, Mass General Brigham Personalized Medicine
Classification: Pathogenic for Hereditary breast ovarian cancer syndrome. Last evaluated: 2019-10-14. Review status: criteria provided, single submitter. Criteria: ACMG Guidelines, 2015. Collection method: clinical testing. Allele origin: germline. Not counted in ClinVar's aggregate classification.
Comment: The p.Gln2859LysfsX4 variant in BRCA2 has been reported in >20 individuals with BRCA2-related cancers (Martin 2001, Pritchard 2016, Roed Nielsen 2016, BIC database). It was absent from large population databases. This variant is predicted to cause a frameshift, which alters the protein’s amino acid sequence beginning at position 2859 and leads to a premature termination codon 4 amino acids downstream. This alteration is then predicted to lead to a truncated or absent protein. Loss of function of the BRCA2 gene is an established disease mechanism in autosomal dominant hereditary breast and ovarian cancer syndrome (HBOC). Additionally, this variant was classified as Pathogenic on Apr 22, 2016 by the ClinGen-approved ENIGMA expert panel (Variation ID: 38169). In summary, this variant meets criteria to be classified as pathogenic for autosomal dominant HBOC. ACMG/AMP Criteria applied: PVS1, PM2, PS4.

Cancer Genetics and Genomics Laboratory, British Columbia Cancer Agency
Classification: Pathogenic for Hereditary breast ovarian cancer syndrome. Last evaluated: 2017-04-18. Review status: criteria provided, single submitter. Criteria: ACMG Guidelines, 2015. Collection method: clinical testing. Allele origin: germline. Study: The Canadian Open Genetics Repository (COGR). Not counted in ClinVar's aggregate classification.

Consortium of Investigators of Modifiers of BRCA1/2 (CIMBA), c/o University of Cambridge
Classification: Pathogenic for Breast-ovarian cancer, familial, susceptibility to, 2. Last evaluated: 2015-10-02. Review status: criteria provided, single submitter. Criteria: CIMBA Mutation Classification guidelines May 2016. Collection method: clinical testing. Allele origin: germline. Not counted in ClinVar's aggregate classification.

BRCAlab, Lund University
Classification: Pathogenic for Breast-ovarian cancer, familial, susceptibility to, 2. Last evaluated: 2022-08-26. Review status: no assertion criteria provided. Collection method: clinical testing. Allele origin: germline. Affected: yes. Not counted in ClinVar's aggregate classification.

Research Molecular Genetics Laboratory, Women's College Hospital, University of Toronto
Classification: Pathogenic for Hereditary breast ovarian cancer syndrome. Last evaluated: 2014-01-31. Review status: no assertion criteria provided. Collection method: research. Allele origin: germline. Affected: yes. Study: The Canadian Open Genetics Repository (COGR). Not counted in ClinVar's aggregate classification.

Sharing Clinical Reports Project (SCRP)
Classification: Pathogenic for Breast-ovarian cancer, familial 2. Last evaluated: 2012-05-01. Review status: no assertion criteria provided. Collection method: clinical testing. Allele origin: germline. Not counted in ClinVar's aggregate classification.

Breast Cancer Information Core (BIC) (BRCA2)
Classification: Pathogenic for Breast-ovarian cancer, familial 2. Last evaluated: 2002-05-29. Review status: no assertion criteria provided. Collection method: clinical testing. Allele origin: germline. Affected: yes. Observed: 20 variant alleles. Not counted in ClinVar's aggregate classification.

Department of Pathology and Laboratory Medicine, Sinai Health System
Classification: Pathogenic for Malignant tumor of breast. Review status: no assertion criteria provided. Collection method: clinical testing. Allele origin: unknown. Affected: yes. Study: The Canadian Open Genetics Repository (COGR). Not counted in ClinVar's aggregate classification.
Comment: The BRCA2 p.Gln2859LysfsX4 deletion variant was identified in 3 of 4874 proband chromosomes from individuals with breast or ovarian cancer (Borg 2010, Loman 2001, Martin 2001). The variant was also identified in dbSNP (ID: rs80359718) â€šÃ„ÃºWith pathogenic alleleâ€šÃ„Ã¹, HGMD, LOVD, and the BIC database (19X as a variant with clinical importance). The p.Gln2859LysfsX4 deletion variant is predicted to cause a frameshift, which alters the protein's amino acid sequence beginning at codon 2859 and leads to a premature stop codon 4 codons downstream. This alteration is then predicted to result in a truncated or absent protein and loss of function. Loss of function variants of the BRCA2 gene are an established mechanism of disease in hereditary breast and ovarian cancer and is the type of variant expected to cause the disorder. In summary, based on the above information, this variant meets our laboratoryâ€šÃ„Ã´s criteria to be classified as pathogenic.

Literature cited by the submitters: PubMed 20104584 (cited by 6 submitters); PubMed 11304778 (cited by 6 submitters); PubMed 23704984 (cited by 5 submitters); PubMed 26360800 (cited by 6 submitters); PubMed 27083775 (cited by 3 submitters); PubMed 27433846 (cited by 7 submitters); PubMed 16847550 (cited by 4 submitters); PubMed 17148771 (cited by 4 submitters); PubMed 18703817 (cited by Color Diagnostics, LLC DBA Color Health and Women's Health and Genetics/Laboratory Corporation of America, LabCorp); PubMed 21324516 (cited by Color Diagnostics, LLC DBA Color Health and Ambry Genetics); PubMed 25395318 (cited by Color Diagnostics, LLC DBA Color Health); PubMed 28888541 (cited by Mayo Clinic Laboratories, Mayo Clinic and Quest Diagnostics Nichols Institute San Juan Capistrano); PubMed 31723001 (cited by Mayo Clinic Laboratories, Mayo Clinic); PubMed 32073954 (cited by Mayo Clinic Laboratories, Mayo Clinic and Quest Diagnostics Nichols Institute San Juan Capistrano); PubMed 34399810 (cited by 3 submitters); PubMed 34887416 (cited by Mayo Clinic Laboratories, Mayo Clinic and Quest Diagnostics Nichols Institute San Juan Capistrano); PubMed 37563628 (cited by Mayo Clinic Laboratories, Mayo Clinic); PubMed 29446198 (cited by 5 submitters); PubMed 33471991 (cited by Quest Diagnostics Nichols Institute San Juan Capistrano and Ambry Genetics); PubMed 26295337 (cited by Quest Diagnostics Nichols Institute San Juan Capistrano); PubMed 10359546 (cited by Ambry Genetics); PubMed 29422015 (cited by Ambry Genetics); PubMed 31060593 (cited by Ambry Genetics and All of Us Research Program, National Institutes of Health); PubMed 32570879 (cited by Ambry Genetics); PubMed 8988179 (cited by All of Us Research Program, National Institutes of Health); PubMed 11897832 (cited by All of Us Research Program, National Institutes of Health); PubMed 25685387 (cited by All of Us Research Program, National Institutes of Health); PubMed 32098980 (cited by All of Us Research Program, National Institutes of Health); PubMed 34680878 (cited by All of Us Research Program, National Institutes of Health); PubMed 36999648 (cited by All of Us Research Program, National Institutes of Health); PubMed 18779604 (cited by Women's Health and Genetics/Laboratory Corporation of America, LabCorp); PubMed 28873162 (cited by Department of Pediatrics, Memorial Sloan Kettering Cancer Center).